The following is an entry in ClinVar:

ClinVar aggregate classification (germline): Pathogenic/Likely pathogenic. Review status: criteria provided, multiple submitters, no conflicts (2 of 4 stars). 2 submissions from 2 submitters: Pathogenic (1); Likely pathogenic (1). Last evaluated 2025-12-08.

Conditions:
PKD1-related disorder. Also called: PKD1-related condition.

Submissions (2):

PreventionGenetics, part of Exact Sciences
Classification: Pathogenic for PKD1-related condition. Last evaluated: 2025-12-08. Review status: criteria provided, single submitter. Criteria: ACMG Guidelines, 2015. Collection method: clinical testing. Allele origin: germline.
Comment: The PKD1 c.5948delG variant is predicted to result in a frameshift and premature protein termination (p.Gly1983Alafs*133). To our knowledge, this variant has not been reported in the literature or in a large population database (gnomAD), indicating this variant is rare. Frameshift variants in PKD1 are expected to be pathogenic. This variant is interpreted as pathogenic.

Blueprint Genetics
Classification: Likely pathogenic for PKD1-related disorders. Last evaluated: 2022-07-22. Review status: criteria provided, single submitter. Criteria: ACMG Guidelines, 2015. Collection method: clinical testing. Allele origin: germline. Affected: yes. Observed: 2 variant alleles.

NM_001009944.3(PKD1):c.5948del (p.Gly1983fs)

Gene: PKD1 (polycystin 1, transient receptor potential channel interacting; minus strand). Cytogenetic location: 16p13.3.
Variant type: Deletion.
Coding change: c.5948del on transcript NM_001009944.3 (MANE Select); coding-DNA position 5948, one base deleted (G; older notation c.5948delG).
Protein change: p.Gly1983fs; shifts the reading frame from glycine 1983.
Molecular consequence: frameshift variant.
Genome position (GRCh38, 1-based): chr16:2,109,219, C deleted on the plus strand (G on the coding strand, the reverse complement: PKD1 is on the minus strand); the first of 2 consecutive C bases (chr16:2,109,219-2,109,220); deleting either gives the same sequence. VCF-style (leftmost placement, unchanged base first): chr16-2109218-GC-G. GRCh37 (hg19) VCF-style: chr16-2159219-GC-G.
Other names: c.5948delG (NM_001009944.2); c.5948del, p.Gly1983fs (NM_000296.4); short protein forms G1983fs.
Identifiers: ClinVar variation 4927822 (VCV004927822.2).